The following is an entry in ClinVar:

NM_007294.4(BRCA1):c.4484G>A (p.Arg1495Lys)

Gene: BRCA1 (BRCA1 DNA repair associated; minus strand). Cytogenetic location: 17q21.31.
Variant type: single nucleotide variant.
Coding change: c.4484G>A on transcript NM_007294.4 (MANE Select); coding-DNA position 4484, G replaced by A.
Protein change: p.Arg1495Lys; replaces arginine 1495 with lysine.
Molecular consequence: missense variant. On other transcripts: non-coding transcript variant (1).
Genome position (GRCh38, 1-based): chr17:43,076,488, C>T on the plus strand (G>A on the coding strand, the complement: BRCA1 is on the minus strand). VCF-style: chr17-43076488-C-T. GRCh37 (hg19) VCF-style: chr17-41228505-C-T.
Other names: 4603G>A; c.1169G>A, p.Arg390Lys (NM_001408403.1, NM_001408404.1, NM_001408473.1 and 8 more transcripts); c.1166G>A, p.Arg389Lys (NM_001408406.1, NM_001408407.1, NM_001408408.1); c.1163G>A, p.Arg388Lys (NM_001408409.1); c.1100G>A, p.Arg367Lys (NM_001408410.1); c.1097G>A, p.Arg366Lys (NM_001408411.1); c.1094G>A, p.Arg365Lys (NM_001408412.1, NM_001408413.1, NM_001408414.1 and 2 more transcripts); c.1058G>A, p.Arg353Lys (NM_001408418.1, NM_001408419.1, NM_001408420.1); and 69 more; short protein forms R1495K, R1448K, R391K, R1516K, R1198K, R1382K, R1453K, R1469K.
Identifiers: ClinVar variation 37597 (VCV000037597.31), dbSNP rs80357389, ClinGen allele CA002875.

ClinVar aggregate classification (germline): Pathogenic. Review status: criteria provided, multiple submitters, no conflicts (2 of 4 stars). 17 submissions from 17 submitters: Pathogenic (9). 8 of the submissions do not count toward it. Last evaluated 2025-11-02.

Conditions:
Hereditary cancer-predisposing syndrome. Also called: Tumor predisposition; Neoplastic Syndromes, Hereditary; Hereditary Cancer Syndrome; Hereditary neoplastic syndrome. Identifiers: Orphanet 140162, MedGen C0027672, MeSH D009386, MONDO:0015356.
Hereditary breast ovarian cancer syndrome. Also called: Hereditary breast and ovarian cancer syndrome (HBOC); Hereditary breast and ovarian cancer syndrome; Hereditary breast and ovarian cancer; Hereditary breast and/or ovarian cancer syndrome; Breast and ovarian cancer; BRCA1- and BRCA2-Associated Hereditary Breast and Ovarian Cancer. Identifiers: Orphanet 145, MedGen C0677776, MeSH D061325, MONDO:0003582. Disease mechanism: loss of function.
Breast-ovarian cancer, familial, susceptibility to, 1 (BROVCA1). Also called: OVARIAN CANCER, SUSCEPTIBILITY TO; BRCA1 Hereditary Breast and Ovarian Cancer. Identifiers: Orphanet 145, MedGen C2676676, MONDO:0011450, OMIM 604370. Disease mechanism: loss of function.
Familial cancer of breast. Also called: Hereditary breast cancer; hereditary breast carcinoma; BREAST CANCER, FAMILIAL. Identifiers: Orphanet 227535, MedGen C0346153, MONDO:0016419, OMIM 114480. Disease mechanism: loss of function.
Malignant tumor of breast. Also called: Malignant breast neoplasm; Cancer breast. Identifiers: MedGen C0006142, MONDO:0007254. Disease mechanism: loss of function.

Submissions 1 to 5 of 17:

Labcorp Genetics (formerly Invitae), Labcorp
Classification: Pathogenic for Hereditary breast ovarian cancer syndrome. Last evaluated: 2025-11-02. Review status: criteria provided, single submitter. Criteria: Invitae Variant Classification Sherloc (09022015). Collection method: clinical testing. Allele origin: germline.
Comment: This sequence change replaces arginine, which is basic and polar, with lysine, which is basic and polar, at codon 1495 of the BRCA1 protein (p.Arg1495Lys). RNA analysis indicates that this missense change induces altered splicing and may result in an absent or altered protein product. This variant is not present in population databases (gnomAD no frequency). This missense change has been observed in individual(s) with breast cancer (PMID: 22711857, 22762150, 23633455, 27741520, 29446198). ClinVar contains an entry for this variant (Variation ID: 37597). An algorithm developed to predict the effect of missense changes on protein structure and function (PolyPhen-2) suggests that this variant is likely to be tolerated. Variants that disrupt the consensus splice site are a relatively common cause of aberrant splicing (PMID: 17576681, 9536098). Studies have shown that this missense change results in skipping of exon 13 (also called exon 14 in published literature), and produces a non-functional protein and/or introduces a premature termination codon (PMID: 19471317, 22505045; internal data). This variant disrupts the c.4484G nucleotide in the BRCA1 gene. Other variant(s) that disrupt this nucleotide have been determined to be pathogenic (internal data). This suggests that this nucleotide is clinically significant, and that variants that disrupt this position are likely to be disease-causing. For these reasons, this variant has been classified as Pathogenic.

Color Diagnostics, LLC DBA Color Health
Classification: Pathogenic for Hereditary cancer-predisposing syndrome. Last evaluated: 2024-06-11. Review status: criteria provided, single submitter. Criteria: ACMG Guidelines, 2015. Collection method: clinical testing. Allele origin: germline.
Comment: This missense variant replaces arginine with lysine at codon 1495 of the BRCA1 protein and alters the conserved guanine nucleotide immediately adjacent to the intron 13 splice donor site. RNA studies have shown that this variant resulted in the out-of-frame skipping of exon 13 and that this variant transcript is not stably expressed based on an allelic imbalance assay on patient-derived RNA (PMID: 19471317, 22505045, 31143303). This variant has been reported in at least four individuals affected with breast and ovarian cancer (PMID: 22711857, 27741520, 28637432, 34196900) and also in suspected hereditary breast and ovarian cancer families (PMID: 22505045, 22762150, 34981296). A multifactorial analysis also has reported a likelihood ratios for pathogenicity based on family history of log(LR) = 1.45 (PMID: 35665744). Two similar variants at this nucleotide position, c.4484G>T and c.4484G>C, have been reported in individuals and families affected with breast and ovarian cancer (PMID: 10571952, 21120943, 22762150, 24607278, 27425403) and shown by RNA analysis to cause out-of-frame skipping of exon 13 (PMID: 10571952, 12915465, 21120943, 22505045, 24607278). This variant has not been identified in the general population by the Genome Aggregation Database (gnomAD). Loss of BRCA1 function is a known mechanism of disease. Based on the available evidence, this variant is classified as Pathogenic.

Ambry Genetics
Classification: Pathogenic for Hereditary cancer-predisposing syndrome. Last evaluated: 2024-01-30. Review status: criteria provided, single submitter. Criteria: Ambry Variant Classification Scheme 2023. Collection method: clinical testing. Allele origin: germline.
Comment: The c.4484G>A pathogenic mutation (also known as p.R1495K), located in coding exon 12 of the BRCA1 gene, results from a G to A substitution at nucleotide position 4484. The amino acid change results in arginine to lysine at codon 1495, an amino acid with highly similar properties. However, this change occurs in the last base pair of coding exon 12, which makes it likely to have some effect on normal mRNA splicing. RNA studies demonstrated that this mutation leads to skipping of coding exon 12, which results in a transcript subject to nonsense-mediated mRNA decay (Ambry internal data; Houdayer C et al. Hum Mutat. 2012 Aug;33(8):1228-38). Another alteration impacting the same donor/acceptor site (c.4484G>T) has been shown to have a similar impact on splicing (Ambry internal data; Yang Y et al. Hum. Mol. Genet. 2003 Sep;12:2121-31; Caux-Moncoutier V et al. Hum. Mutat. 2011 Mar;32:325-34; Houdayer C et al. Hum. Mutat. 2012 Aug;33:1228-38). This nucleotide position is highly conserved in available vertebrate species. This variant is considered to be rare based on population cohorts in the Genome Aggregation Database (gnomAD). In silico splice site analysis predicts that this alteration will weaken the native splice donor site. Based on the supporting evidence, this alteration is interpreted as a disease-causing mutation.

GeneDx
Classification: Pathogenic. Last evaluated: 2023-01-09. Review status: criteria provided, single submitter. Criteria: GeneDx Variant Classification Process June 2021. Collection method: clinical testing. Allele origin: germline. Affected: yes.
Comment: RNA analyses demonstrate that this variant leads to skipping of exon 14, resulting in premature protein truncation, subject to nonsense-mediated decay (Houdayer et al., 2012; Wangensteen et al., 2019); Observed in individuals with breast and/or ovarian cancer (Alsop et al., 2012, George et al., 2013, Fernandes et al., 2016, Turner et al., 2018, Slavin et al., 2019); Not observed in large population cohorts (gnomAD); In silico analysis supports that this missense variant does not alter protein structure/function; Also known as 4603G>A; This variant is associated with the following publications: (PMID: 22711857, 27741520, 28888541, 22762150, 19471317, 23633455, 22045683, 21523855, 15280182, 16267036, 28637432, 29339979, 28781887, 30728895, 29875428, 29446198, 30765603, 31143303, 31131967, 31911673, 31124283, Tan2020[Abstract], Lertwilaiwittaya2020[Case Report], 34981296, 35918668, 35665744, 15343273, 22737296, 22505045)

Quest Diagnostics Nichols Institute San Juan Capistrano
Classification: Pathogenic. Last evaluated: 2022-11-09. Review status: criteria provided, single submitter. Criteria: Quest Diagnostics criteria. Collection method: clinical testing. Allele origin: unknown.
Comment: The variant occurs at the last base of an exon and interferes with normal BRCA1 mRNA splicing. It has not been reported in large, multi-ethnic general populations. In the published literature, the variant has been reported in individuals affected with breast/ovarian cancer (PMID: 22711857 (2012), 23633455 (2013), 27741520 (2016), 28637432 (2017), 29875428 (2018), 34196900 (2021)). In vitro studies have shown that this variant causes a severe and complete splicing defect resulting in exon 13 (legacy exon 14) skipping (PMID: 19471317 (2009), 22505045 (2012), 31143303 (2019)). Based on the available information, this variant is classified as pathogenic.